The following is an entry in ClinVar:

NM_015338.6(ASXL1):c.4346T>G (p.Leu1449Arg)

Gene: ASXL1 (ASXL transcriptional regulator 1; plus strand). Cytogenetic location: 20q11.21.
Variant type: single nucleotide variant.
Coding change: c.4346T>G on transcript NM_015338.6 (MANE Select); coding-DNA position 4346, T replaced by G.
Protein change: p.Leu1449Arg; replaces leucine 1449 with arginine.
Molecular consequence: missense variant.
Genome position (GRCh38, 1-based): chr20:32,437,058, T>G. VCF-style: chr20-32437058-T-G. GRCh37 (hg19) VCF-style: chr20-31024861-T-G.
Other names: c.4163T>G, p.Leu1388Arg (NM_001363734.1); short protein forms L1388R, L1449R.
Identifiers: ClinVar variation 3728175 (VCV003728175.2).

ClinVar aggregate classification (germline): Uncertain significance (1 of 4 stars; one submission).

gnomAD v4.1: 1 of 1,614,204 alleles (0.000062%); no homozygotes.

Submission:

Labcorp Genetics (formerly Invitae), Labcorp
Classification: Uncertain significance. Last evaluated: 2024-12-28. Review status: criteria provided, single submitter. Criteria: Invitae Variant Classification Sherloc (09022015). Collection method: clinical testing. Allele origin: germline.
Comment: This sequence change replaces leucine, which is neutral and non-polar, with arginine, which is basic and polar, at codon 1449 of the ASXL1 protein (p.Leu1449Arg). This variant is not present in population databases (gnomAD no frequency). This variant has not been reported in the literature in individuals affected with ASXL1-related conditions. An algorithm developed to predict the effect of missense changes on protein structure and function (PolyPhen-2) suggests that this variant is likely to be disruptive. In summary, the available evidence is currently insufficient to determine the role of this variant in disease. Therefore, it has been classified as a Variant of Uncertain Significance.